The following is an entry in ClinVar:

NM_019109.5(ALG1):c.1017_1019dup (p.Gln339dup)

Gene: ALG1 (ALG1 chitobiosyldiphosphodolichol beta-mannosyltransferase; plus strand). Cytogenetic location: 16p13.3.
Variant type: Duplication.
Coding change: c.1017_1019dup on transcript NM_019109.5 (MANE Select); coding-DNA positions 1017 to 1019, 3 bases duplicated (GCA; older notation c.1017_1019dupGCA).
Protein change: p.Gln339dup; duplicates glutamine 339.
Molecular consequence: inframe insertion.
Genome position (GRCh38, 1-based): chr16:5,081,001-5,081,003, GCA duplicated; duplicating any 3 consecutive bases within chr16:5,080,999-5,081,003 gives the same sequence; the c. name uses the placement nearest the transcript's 3' end. VCF-style (leftmost placement, unchanged base first): chr16-5080998-C-CCAG. GRCh37 (hg19) VCF-style: chr16-5130999-C-CCAG.
Other names: c.684_686dup, p.Gln228dup (NM_001330504.2).
Identifiers: ClinVar variation 1508600 (VCV001508600.8), dbSNP rs2142721988, ClinGen allele CA2573152081.

ClinVar aggregate classification (germline): Uncertain significance (1 of 4 stars; one submission).

Conditions:
ALG1-congenital disorder of glycosylation. Also called: CDG Ik; ALG1-CDG; CONGENITAL DISORDER OF GLYCOSYLATION, TYPE Ik. Identifiers: Orphanet 79327, MedGen C2931005, MONDO:0012052, OMIM 608540.

Submission:

Labcorp Genetics (formerly Invitae), Labcorp
Classification: Uncertain significance for ALG1-congenital disorder of glycosylation. Last evaluated: 2022-08-16. Review status: criteria provided, single submitter. Criteria: Invitae Variant Classification Sherloc (09022015). Collection method: clinical testing. Allele origin: germline.
Comment: This variant, c.1017_1019dup, results in the insertion of 1 amino acid(s) of the ALG1 protein (p.Gln339dup), but otherwise preserves the integrity of the reading frame. This variant is not present in population databases (gnomAD no frequency). This variant has not been reported in the literature in individuals affected with ALG1-related conditions. ClinVar contains an entry for this variant (Variation ID: 1508600). Experimental studies and prediction algorithms are not available or were not evaluated, and the functional significance of this variant is currently unknown. In summary, the available evidence is currently insufficient to determine the role of this variant in disease. Therefore, it has been classified as a Variant of Uncertain Significance.